The following is an entry in ClinVar:

ClinVar aggregate classification (germline): Uncertain significance. Review status: criteria provided, multiple submitters, no conflicts (2 of 4 stars). 3 submissions from 3 submitters: Uncertain significance (3). Last evaluated 2025-10-21.

Conditions:
CC2D2A-related disorder. Also called: CC2D2A-related disorders; CC2D2A-related condition. Identifiers: MedGen CN239313.
Joubert syndrome. Also called: JOUBERT-BOLTSHAUSER SYNDROME; Familial aplasia of the vermis. Identifiers: Orphanet 475, MedGen C5979921, MONDO:0018772.
Meckel-Gruber syndrome. Also called: DYSENCEPHALIA SPLANCHNOCYSTICA; GRUBER SYNDROME; Dysencephalia splachnocystica. Identifiers: Orphanet 564, MedGen C0265215, MONDO:0018921.

Allele frequency attached by ClinVar (database versions not stated): gnomAD exomes below 0.00001; ExAC 0.00001; gnomAD 0.00001.
gnomAD v4.1: 1 of 1,613,810 alleles (0.000062%); highest among the groups gnomAD compares: Admixed American, 0.0017%; no homozygotes.

Submissions (3):

PreventionGenetics, part of Exact Sciences
Classification: Uncertain significance for CC2D2A-related condition. Last evaluated: 2025-10-21. Review status: criteria provided, single submitter. Criteria: ACMG Guidelines, 2015. Collection method: clinical testing. Allele origin: germline.
Comment: The CC2D2A c.2575A>G variant is predicted to result in the amino acid substitution p.Lys859Glu. To our knowledge, this variant has not been reported in the literature. This variant is reported in 0.0029% of alleles in individuals of Latino descent in gnomAD. At this time, the clinical significance of this variant is uncertain due to the absence of conclusive functional and genetic evidence.

Blueprint Genetics
Classification: Uncertain significance. Last evaluated: 2024-08-29. Review status: criteria provided, single submitter. Criteria: ACMG Guidelines, 2015. Collection method: clinical testing. Allele origin: germline.

Labcorp Genetics (formerly Invitae), Labcorp
Classification: Uncertain significance for Joubert syndrome; Meckel-Gruber syndrome. Last evaluated: 2022-08-06. Review status: criteria provided, single submitter. Criteria: Invitae Variant Classification Sherloc (09022015). Collection method: clinical testing. Allele origin: germline.
Comment: This sequence change replaces lysine, which is basic and polar, with glutamic acid, which is acidic and polar, at codon 859 of the CC2D2A protein (p.Lys859Glu). This variant is present in population databases (rs770990150, gnomAD 0.006%). This missense change has been observed in individual(s) with clinical features of inherited retinal dystrophy (Invitae). ClinVar contains an entry for this variant (Variation ID: 1367105). Algorithms developed to predict the effect of missense changes on protein structure and function are either unavailable or do not agree on the potential impact of this missense change (SIFT: "Deleterious"; PolyPhen-2: "Benign"; Align-GVGD: "Class C0"). In summary, the available evidence is currently insufficient to determine the role of this variant in disease. Therefore, it has been classified as a Variant of Uncertain Significance.

NM_001378615.1(CC2D2A):c.2575A>G (p.Lys859Glu)

Genes: CC2D2A (coiled-coil and C2 domain containing 2A; plus strand), FBXL5 (F-box and leucine rich repeat protein 5; minus strand). Cytogenetic location: 4p15.32.
Variant type: single nucleotide variant.
Coding change: c.2575A>G on transcript NM_001378615.1 (MANE Select); coding-DNA position 2575, A replaced by G.
Protein change: p.Lys859Glu; replaces lysine 859 with glutamic acid.
Molecular consequence: missense variant.
Genome position (GRCh38, 1-based): chr4:15,555,160, A>G. VCF-style: chr4-15555160-A-G. GRCh37 (hg19) VCF-style: chr4-15556783-A-G.
Other names: c.2575A>G, p.Lys859Glu (NM_001080522.2); c.2428A>G, p.Lys810Glu (NM_001378617.1); short protein forms K859E, K810E.
Identifiers: ClinVar variation 1367105 (VCV001367105.5), dbSNP rs770990150, ClinGen allele CA2863959.
Genomic context (GRCh38, chr4:15,555,160, plus strand): 5'-TCTATTGGCACATCAGGACTGACAGACATGAAAAAATTGGCCAAGTGGGCAGCAGAGTCC[A>G]AGCTCGACCCAAATGACCCCAACAATGCCCCTTTGATGCAGCTTATCTCGGTATGTAGCA-3'
Protein context (NP_001365544.1, residues 849-869): KKLAKWAAES[Lys859Glu]LDPNDPNNAP